The following is an entry in ClinVar:

NM_032578.4(MYPN):c.2963G>T (p.Arg988Ile)

Gene: MYPN (myopalladin; plus strand). Cytogenetic location: 10q21.3.
Variant type: single nucleotide variant.
Coding change: c.2963G>T on transcript NM_032578.4 (MANE Select); coding-DNA position 2963, G replaced by T.
Protein change: p.Arg988Ile; replaces arginine 988 with isoleucine.
Molecular consequence: missense variant. On other transcripts: non-coding transcript variant (2).
Genome position (GRCh38, 1-based): chr10:68,194,400, G>T. VCF-style: chr10-68194400-G-T. GRCh37 (hg19) VCF-style: chr10-69954157-G-T.
Other names: c.2963G>T, p.Arg988Ile (NM_001256267.2); c.2081G>T, p.Arg694Ile (NM_001256268.2); short protein forms R694I, R988I.
Identifiers: ClinVar variation 3228167 (VCV003228167.1), dbSNP rs2134277689, ClinGen allele CA376855673.
Genomic context (GRCh38, chr10:68,194,400, plus strand): 5'-ATCTTGATAATTTTTCATTTCAGGTTTACTGGTTCAAAGATGGGAAGCAGATTTCTAAGA[G>T]AAATGAGCACTGCAAAATGAGGCGAGAAGGAGATGGGACATGCTCTCTGCACATTGAATC-3'
Protein context (NP_115967.2, residues 978-998): WFKDGKQISK[Arg988Ile]NEHCKMRREG

ClinVar aggregate classification (germline): Uncertain significance (1 of 4 stars; one submission).

Conditions:
Cardiovascular phenotype. Identifiers: MedGen CN230736.

Submission:

Ambry Genetics
Classification: Uncertain significance for Cardiovascular phenotype. Last evaluated: 2023-09-25. Review status: criteria provided, single submitter. Criteria: Ambry Variant Classification Scheme 2023. Collection method: clinical testing. Allele origin: germline.
Comment: The p.R988I variant (also known as c.2963G>T), located in coding exon 13 of the MYPN gene, results from a G to T substitution at nucleotide position 2963. The arginine at codon 988 is replaced by isoleucine, an amino acid with similar properties. This amino acid position is not well conserved in available vertebrate species. In addition, this alteration is predicted to be tolerated by in silico analysis. Since supporting evidence is limited at this time, the clinical significance of this alteration remains unclear.